The following is an entry in ClinVar:

NM_001009944.3(PKD1):c.669C>T (p.Ala223=)

Gene: PKD1 (polycystin 1, transient receptor potential channel interacting; minus strand). Cytogenetic location: 16p13.3.
Variant type: single nucleotide variant.
Coding change: c.669C>T on transcript NM_001009944.3 (MANE Select); coding-DNA position 669, C replaced by T.
Protein change: p.Ala223=; no amino-acid change (alanine 223 retained).
Molecular consequence: synonymous variant.
Genome position (GRCh38, 1-based): chr16:2,118,323, G>A on the plus strand (C>T on the coding strand, the complement: PKD1 is on the minus strand). VCF-style: chr16-2118323-G-A. GRCh37 (hg19) VCF-style: chr16-2168324-G-A.
Other names: c.669C>T, p.Ala223= (NM_000296.4).
Identifiers: ClinVar variation 3044130 (VCV003044130.2), dbSNP rs1039241145, ClinGen allele CA276784018.
Genomic context (GRCh38, chr16:2,118,323, plus strand): 5'-GGCAAAGGAGGCACTGGAGGGCTGGGCCGCCCCACACAGGCACCAGCCCTGCTCCGAGAG[G>A]GCTGCGAGGCCCTGGCCGGTGGAGAAGCAGAAGGCGCTGCAGGCCTCTGGCTGAAGCAGG-3'
Protein context (NP_001009944.3, residues 213-233): FCFSTGQGLA[Ala223=]LSEQGWCLCG

ClinVar aggregate classification (germline): Likely benign (0 of 4 stars; one submission).

Conditions:
PKD1-related disorder. Also called: PKD1-related condition.

Allele frequency attached by ClinVar (database versions not stated): TOPMed below 0.00001; gnomAD 0.00001; gnomAD exomes 0.00003.
gnomAD v4.1: 38 of 1,503,482 alleles (0.0025%); highest among the groups gnomAD compares: Non-Finnish European, 0.0034%; no homozygotes.

Submission:

PreventionGenetics, part of Exact Sciences
Classification: Likely benign for PKD1-related condition. Last evaluated: 2022-11-02. Review status: no assertion criteria provided. Collection method: clinical testing. Allele origin: germline.
Comment: This variant is classified as likely benign based on ACMG/AMP sequence variant interpretation guidelines (Richards et al. 2015 PMID: 25741868, with internal and published modifications).